The following is an entry in ClinVar:

NM_003321.5(TUFM):c.842C>T (p.Thr281Ile)

Gene: TUFM (Tu translation elongation factor, mitochondrial; minus strand). Cytogenetic location: 16p11.2.
Variant type: single nucleotide variant.
Coding change: c.842C>T on transcript NM_003321.5 (MANE Select); coding-DNA position 842, C replaced by T.
Protein change: p.Thr281Ile; replaces threonine 281 with isoleucine.
Molecular consequence: missense variant. On other transcripts: intron variant (1).
Genome position (GRCh38, 1-based): chr16:28,844,310, G>A on the plus strand (C>T on the coding strand, the complement: TUFM is on the minus strand). VCF-style: chr16-28844310-G-A. GRCh37 (hg19) VCF-style: chr16-28855631-G-A.
Other names: c.838+4C>T (NM_001365360.2); short protein forms T281I.
Identifiers: ClinVar variation 3021341 (VCV003021341.3), dbSNP rs765282788, ClinGen allele CA7985512.

ClinVar aggregate classification (germline): Uncertain significance (1 of 4 stars; one submission).

Allele frequency attached by ClinVar (database versions not stated): TOPMed below 0.00001; ExAC 0.00001; gnomAD 0.00001.

Submission:

Labcorp Genetics (formerly Invitae), Labcorp
Classification: Uncertain significance. Last evaluated: 2024-08-30. Review status: criteria provided, single submitter. Criteria: Invitae Variant Classification Sherloc (09022015). Collection method: clinical testing. Allele origin: germline.
Comment: This sequence change replaces threonine, which is neutral and polar, with isoleucine, which is neutral and non-polar, at codon 281 of the TUFM protein (p.Thr281Ile). This variant is present in population databases (rs765282788, gnomAD 0.0009%). This variant has not been reported in the literature in individuals affected with TUFM-related conditions. Invitae Evidence Modeling of protein sequence and biophysical properties (such as structural, functional, and spatial information, amino acid conservation, physicochemical variation, residue mobility, and thermodynamic stability) indicates that this missense variant is not expected to disrupt TUFM protein function with a negative predictive value of 80%. In summary, the available evidence is currently insufficient to determine the role of this variant in disease. Therefore, it has been classified as a Variant of Uncertain Significance.